The following is an entry in ClinVar:

NM_018297.4(NGLY1):c.1192del (p.Glu397_Val398insTer)

Gene: NGLY1 (N-glycanase 1; minus strand). Cytogenetic location: 3p24.2.
Variant type: Deletion.
Coding change: c.1192del on transcript NM_018297.4 (MANE Select); coding-DNA position 1192, one base deleted (G; older notation c.1192delG).
Protein change: p.Glu397_Val398insTer.
Molecular consequence: nonsense.
Genome position (GRCh38, 1-based): chr3:25,733,940, C deleted on the plus strand (G on the coding strand, the reverse complement: NGLY1 is on the minus strand); the first of 2 consecutive C bases (chr3:25,733,940-25,733,941); deleting either gives the same sequence. VCF-style (leftmost placement, unchanged base first): chr3-25733939-AC-A. GRCh37 (hg19) VCF-style: chr3-25775430-AC-A.
Other names: c.1138del, p.Glu379_Val380insTer (NM_001145293.2); c.1066del, p.Glu355_Val356insTer (NM_001145294.2); c.1192del, p.Glu397_Val398insTer (NM_001145295.2).
Identifiers: ClinVar variation 2429272 (VCV002429272.7), dbSNP rs1487912297, ClinGen allele CA905630895.

ClinVar aggregate classification (germline): Pathogenic/Likely pathogenic. Review status: criteria provided, multiple submitters, no conflicts (2 of 4 stars). 2 submissions from 2 submitters: Pathogenic (1); Likely pathogenic (1). Last evaluated 2023-12-04.

Conditions:
Congenital disorder of deglycosylation (CDDG). Identifiers: MedGen C3808991, MONDO:0031376.

Submissions (2):

Labcorp Genetics (formerly Invitae), Labcorp
Classification: Pathogenic for Congenital disorder of deglycosylation. Last evaluated: 2023-12-04. Review status: criteria provided, single submitter. Criteria: Invitae Variant Classification Sherloc (09022015). Collection method: clinical testing. Allele origin: germline.
Comment: This sequence change creates a premature translational stop signal (p.Val398*) in the NGLY1 gene. It is expected to result in an absent or disrupted protein product. Loss-of-function variants in NGLY1 are known to be pathogenic (PMID: 24651605). This variant is not present in population databases (gnomAD no frequency). This variant has not been reported in the literature in individuals affected with NGLY1-related conditions. ClinVar contains an entry for this variant (Variation ID: 2429272). For these reasons, this variant has been classified as Pathogenic.

Women's Health and Genetics/Laboratory Corporation of America, LabCorp
Classification: Likely pathogenic for Congenital disorder of deglycosylation. Last evaluated: 2023-01-10. Review status: criteria provided, single submitter. Criteria: LabCorp Variant Classification Summary - May 2015. Collection method: clinical testing. Allele origin: germline.
Comment: Variant summary: NGLY1 c.1192delG (p.Val398X) results in a premature termination codon, predicted to cause a truncation of the encoded protein or absence of the protein due to nonsense mediated decay, which are commonly known mechanisms for disease. Truncations downstream of this position have been classified as pathogenic by our laboratory and reported in association with Congenital disorder of deglycosylation in HGMD. The variant was absent in 251150 control chromosomes. To our knowledge, no occurrence of c.1192delG in individuals affected with Congenital Disorder Of Deglycosylation and no experimental evidence demonstrating its impact on protein function have been reported. No clinical diagnostic laboratories have submitted clinical-significance assessments for this variant to ClinVar after 2014. Based on the evidence outlined above, the variant was classified as likely pathogenic.

Literature cited by the submitters: PubMed 24651605 (cited by Labcorp Genetics (formerly Invitae), Labcorp).